The following is an entry in ClinVar:

NM_004171.4(SLC1A2):c.193C>T (p.Arg65Cys)

Gene: SLC1A2 (solute carrier family 1 member 2; minus strand). Cytogenetic location: 11p13.
Variant type: single nucleotide variant.
Coding change: c.193C>T on transcript NM_004171.4 (MANE Select); coding-DNA position 193, C replaced by T.
Protein change: p.Arg65Cys; replaces arginine 65 with cysteine.
Molecular consequence: missense variant.
Genome position (GRCh38, 1-based): chr11:35,315,140, G>A on the plus strand (C>T on the coding strand, the complement: SLC1A2 is on the minus strand). VCF-style: chr11-35315140-G-A. GRCh37 (hg19) VCF-style: chr11-35336687-G-A.
Other names: c.166C>T, p.Arg56Cys (NM_001195728.3, NM_001252652.2); short protein forms R56C, R65C.
Identifiers: ClinVar variation 1462601 (VCV001462601.6), dbSNP rs1326870463, ClinGen allele CA380130776.

ClinVar aggregate classification (germline): Conflicting classifications of pathogenicity. Review status: criteria provided, conflicting classifications (1 of 4 stars). 2 submissions from 2 submitters: Uncertain significance (1); Likely benign (1). Last evaluated 2024-02-05.

Conditions:
Developmental and epileptic encephalopathy, 41 (DEE41). Also called: Epileptic encephalopathy, early infantile, 41. Identifiers: MedGen C4310717, MONDO:0014916, OMIM 617105.

Allele frequency attached by ClinVar (database versions not stated): gnomAD exomes 0.00001; TOPMed 0.00001.
gnomAD v4.1: 18 of 1,613,450 alleles (0.0011%); highest among the groups gnomAD compares: Non-Finnish European, 0.0014%; no homozygotes.

Submissions (2):

Labcorp Genetics (formerly Invitae), Labcorp
Classification: Likely benign. Last evaluated: 2024-02-05. Review status: criteria provided, single submitter. Criteria: Invitae Variant Classification Sherloc (09022015). Collection method: clinical testing. Allele origin: germline.

Clinical Genomics Laboratory, Washington University in St. Louis
Classification: Uncertain significance for Developmental and epileptic encephalopathy, 41. Last evaluated: 2023-08-09. Review status: criteria provided, single submitter. Criteria: ACMG Guidelines, 2015. Collection method: clinical testing. Allele origin: germline.
Comment: The SLC1A2 c.193C>T (p.Arg65Cys) variant has not been reported in the medical literature to our knowledge. This variant is absent from the general population (gnomAD v.2.1.1), indicating it is not a common variant. Computational predictors indicate that the variant is damaging, evidence that correlates with impact to SLC1A2 protein function. This variant has been submitted to ClinVar as a variant of uncertain significance by one clinical laboratory (variation ID: 1462601). Due to limited information, and based on ACMG/AMP guidelines for variant interpretation (Richards S et al., PMID: 25741868), the clinical significance of this variant is uncertain at this time.